The following is an entry in ClinVar:

NM_201384.3(PLEC):c.6039G>A (p.Arg2013=)

Gene: PLEC (plectin; minus strand). Cytogenetic location: 8q24.3.
Variant type: single nucleotide variant.
Coding change: c.6039G>A on transcript NM_201384.3 (MANE Select); coding-DNA position 6039, G replaced by A.
Protein change: p.Arg2013=; no amino-acid change (arginine 2013 retained).
Molecular consequence: synonymous variant.
Genome position (GRCh38, 1-based): chr8:143,923,890, C>T on the plus strand (G>A on the coding strand, the complement: PLEC is on the minus strand). VCF-style: chr8-143923890-C-T. GRCh37 (hg19) VCF-style: chr8-144998058-C-T.
Other names: c.6120G>A, p.Arg2040= (NM_000445.5); c.5997G>A, p.Arg1999= (NM_201378.4); c.5973G>A, p.Arg1991= (NM_201379.3); c.6450G>A, p.Arg2150= (NM_201380.4); c.5943G>A, p.Arg1981= (NM_201381.3); c.6039G>A, p.Arg2013= (NM_201382.4); c.6051G>A, p.Arg2017= (NM_201383.3).
Identifiers: ClinVar variation 390869 (VCV000390869.7), dbSNP rs781907706, ClinGen allele CA16605204.

ClinVar aggregate classification (germline): Likely benign. Review status: criteria provided, multiple submitters, no conflicts (2 of 4 stars). 3 submissions from 3 submitters: Likely benign (3). Last evaluated 2024-10-28.

Conditions:
Autosomal recessive limb-girdle muscular dystrophy type 2Q (LGMDR17). Also called: MUSCULAR DYSTROPHY, LIMB-GIRDLE, AUTOSOMAL RECESSIVE 17. Identifiers: Orphanet 254361, MedGen C3150989, MONDO:0013390, OMIM 613723.
Epidermolysis bullosa simplex 5C, with pyloric atresia (EBS5C). Also called: PLEC1-Related Epidermolysis Bullosa with Pyloric Atresia; PLEC-Related Epidermolysis Bullosa with Pyloric Atresia; Epidermolysis bullosa simplex with pyloric atresia. Identifiers: Orphanet 158684, MedGen C2677349, MONDO:0012807, OMIM 612138.
Epidermolysis bullosa simplex with nail dystrophy (EBS5D). Identifiers: MedGen C4225309, MONDO:0014661, OMIM 616487.
Epidermolysis bullosa simplex, Ogna type (EBS5A). Also called: Pidermolysis bullosa simplex 5A, Ogna type; EPIDERMOLYSIS BULLOSA SIMPLEX 5A, OGNA TYPE. Identifiers: Orphanet 79401, MedGen C0432317, MONDO:0007555, OMIM 131950.
Epidermolysis bullosa simplex 5B, with muscular dystrophy (EBS5B). Also called: Epidermolysis bullosa simplex with muscular dystrophy; EPIDERMOLYSIS BULLOSA SIMPLEX AND LIMB-GIRDLE MUSCULAR DYSTROPHY. Identifiers: Orphanet 257, MedGen C2931072, MONDO:0009181, OMIM 226670.

Submissions (3):

Blueprint Genetics
Classification: Likely benign. Last evaluated: 2024-10-28. Review status: criteria provided, single submitter. Criteria: ACMG Guidelines, 2015. Collection method: clinical testing. Allele origin: germline.

Labcorp Genetics (formerly Invitae), Labcorp
Classification: Likely benign for Autosomal recessive limb-girdle muscular dystrophy type 2Q; Epidermolysis bullosa simplex, Ogna type; Epidermolysis bullosa simplex with nail dystrophy; Epidermolysis bullosa simplex 5C, with pyloric atresia; Epidermolysis bullosa simplex 5B, with muscular dystrophy. Last evaluated: 2022-03-14. Review status: criteria provided, single submitter. Criteria: Invitae Variant Classification Sherloc (09022015). Collection method: clinical testing. Allele origin: germline.

GeneDx
Classification: Likely benign. Last evaluated: 2016-11-10. Review status: criteria provided, single submitter. Criteria: GeneDx Variant Classification (06012015). Collection method: clinical testing. Allele origin: germline. Affected: yes.
Comment: This variant is considered likely benign or benign based on one or more of the following criteria: it is a conservative change, it occurs at a poorly conserved position in the protein, it is predicted to be benign by multiple in silico algorithms, and/or has population frequency not consistent with disease.